The following is an entry in ClinVar:

NM_005560.6(LAMA5):c.2248G>A (p.Val750Met)

Gene: LAMA5 (laminin subunit alpha 5; minus strand). Cytogenetic location: 20q13.33.
Variant type: single nucleotide variant.
Coding change: c.2248G>A on transcript NM_005560.6 (MANE Select); coding-DNA position 2248, G replaced by A.
Protein change: p.Val750Met; replaces valine 750 with methionine.
Molecular consequence: missense variant.
Genome position (GRCh38, 1-based): chr20:62,336,415, C>T on the plus strand (G>A on the coding strand, the complement: LAMA5 is on the minus strand). VCF-style: chr20-62336415-C-T. GRCh37 (hg19) VCF-style: chr20-60911471-C-T.
Other names: short protein forms V750M.
Identifiers: ClinVar variation 2077900 (VCV002077900.1), dbSNP rs201119098, ClinGen allele CA9943525.

ClinVar aggregate classification (germline): Uncertain significance (1 of 4 stars; one submission).

Allele frequency attached by ClinVar (database versions not stated): ESP Exome Variant Server 0.00008; TOPMed 0.00023.
gnomAD v4.1: 385 of 1,612,478 alleles (0.024%); highest among the groups gnomAD compares: Non-Finnish European, 0.03%; no homozygotes.

Submission:

Labcorp Genetics (formerly Invitae), Labcorp
Classification: Uncertain significance. Last evaluated: 2022-06-08. Review status: criteria provided, single submitter. Criteria: Invitae Variant Classification Sherloc (09022015). Collection method: clinical testing. Allele origin: germline.
Comment: This sequence change replaces valine, which is neutral and non-polar, with methionine, which is neutral and non-polar, at codon 750 of the LAMA5 protein (p.Val750Met). This variant is present in population databases (rs201119098, gnomAD 0.02%). This variant has not been reported in the literature in individuals affected with LAMA5-related conditions. Algorithms developed to predict the effect of missense changes on protein structure and function are either unavailable or do not agree on the potential impact of this missense change (SIFT: "Deleterious"; PolyPhen-2: "Probably Damaging"; Align-GVGD: "Class C15"). In summary, the available evidence is currently insufficient to determine the role of this variant in disease. Therefore, it has been classified as a Variant of Uncertain Significance.